The following is an entry in ClinVar:

ClinVar aggregate classification (germline): Uncertain significance (1 of 4 stars; one submission).

Conditions:
Inborn genetic diseases. Identifiers: MedGen C0950123, MeSH D030342.

Submission:

Ambry Genetics
Classification: Uncertain significance for Inborn genetic diseases. Last evaluated: 2025-03-30. Review status: criteria provided, single submitter. Criteria: Ambry Variant Classification Scheme 2023. Collection method: clinical testing. Allele origin: germline.
Comment: The p.V332F variant (also known as c.994G>T), located in coding exon 11 of the RTEL1 gene, results from a G to T substitution at nucleotide position 994. The valine at codon 332 is replaced by phenylalanine, an amino acid with highly similar properties. This amino acid position is conserved. In addition, this alteration is predicted to be tolerated by in silico analysis. Based on the available evidence, the clinical significance of this variant remains unclear.

NM_001283009.2(RTEL1):c.994G>T (p.Val332Phe)

Genes: RTEL1 (regulator of telomere elongation helicase 1; plus strand), RTEL1-TNFRSF6B (RTEL1-TNFRSF6B readthrough (NMD candidate); plus strand). Cytogenetic location: 20q13.33.
Variant type: single nucleotide variant.
Coding change: c.994G>T on transcript NM_001283009.2 (MANE Select); coding-DNA position 994, G replaced by T.
Protein change: p.Val332Phe; replaces valine 332 with phenylalanine.
Molecular consequence: missense variant. On other transcripts: non-coding transcript variant (1).
Genome position (GRCh38, 1-based): chr20:63,678,303, G>T. VCF-style: chr20-63678303-G-T. GRCh37 (hg19) VCF-style: chr20-62309656-G-T.
Other names: c.325G>T, p.Val109Phe (NM_001283010.1); c.994G>T, p.Val332Phe (NM_016434.4); c.1066G>T, p.Val356Phe (NM_032957.5); short protein forms V109F, V332F, V356F.
Identifiers: ClinVar variation 3948277 (VCV003948277.1).